The following is an entry in ClinVar:

ClinVar aggregate classification (germline): Conflicting classifications of pathogenicity. Review status: criteria provided, conflicting classifications (1 of 4 stars). 4 submissions from 4 submitters: Uncertain significance (1); Likely benign (3). Last evaluated 2024-10-07.

Conditions:
Mitochondrial complex IV deficiency, nuclear type 1 (MC4DN1). Also called: COX DEFICIENCY; Mitochondrial complex IV deficiency; Complex 4 mitochondrial respiratory chain deficiency; Deficiency of mitochondrial respiratory chain complex4; Complex IV deficiency. Identifiers: MedGen C5435656, MONDO:0700250, OMIM 220110. Disease mechanism: loss of function.

Allele frequency attached by ClinVar (database versions not stated): TOPMed 0.00011; ExAC 0.00012; gnomAD 0.00013 and 0.00014; gnomAD exomes 0.00016 and 0.00023; ESP Exome Variant Server 0.00023.
gnomAD v4.1: 346 of 1,612,952 alleles (0.021%); highest among the groups gnomAD compares: Non-Finnish European, 0.027%; no homozygotes.

Submissions (4):

Labcorp Genetics (formerly Invitae), Labcorp
Classification: Likely benign. Last evaluated: 2024-10-07. Review status: criteria provided, single submitter. Criteria: Invitae Variant Classification Sherloc (09022015). Collection method: clinical testing. Allele origin: germline.

Blueprint Genetics
Classification: Likely benign. Last evaluated: 2023-11-08. Review status: criteria provided, single submitter. Criteria: ACMG Guidelines, 2015. Collection method: clinical testing. Allele origin: germline.

Illumina Laboratory Services, Illumina
Classification: Uncertain significance for Mitochondrial complex IV deficiency, nuclear type 1. Last evaluated: 2018-02-16. Review status: criteria provided, single submitter. Criteria: ICSL Variant Classification Criteria 13 December 2019. Collection method: clinical testing. Allele origin: germline.

GeneDx
Classification: Likely benign. Last evaluated: 2017-08-16. Review status: criteria provided, single submitter. Criteria: GeneDx Variant Classification (06012015). Collection method: clinical testing. Allele origin: germline. Affected: yes.
Comment: This variant is considered likely benign or benign based on one or more of the following criteria: it is a conservative change, it occurs at a poorly conserved position in the protein, it is predicted to be benign by multiple in silico algorithms, and/or has population frequency not consistent with disease.

NM_016360.4(TACO1):c.219G>A (p.Lys73=)

Gene: TACO1 (translational activator of cytochrome c oxidase I; plus strand). Cytogenetic location: 17q23.3.
Variant type: single nucleotide variant.
Coding change: c.219G>A on transcript NM_016360.4 (MANE Select); coding-DNA position 219, G replaced by A.
Protein change: p.Lys73=; no amino-acid change (lysine 73 retained).
Molecular consequence: synonymous variant.
Genome position (GRCh38, 1-based): chr17:63,601,302, G>A. VCF-style: chr17-63601302-G-A. GRCh37 (hg19) VCF-style: chr17-61678661-G-A.
Identifiers: ClinVar variation 516715 (VCV000516715.13), dbSNP rs150607307, ClinGen allele CA8702056.